The following is an entry in ClinVar:

NM_000807.4(GABRA2):c.553G>T (p.Gly185Cys)

Gene: GABRA2 (gamma-aminobutyric acid type A receptor subunit alpha2; minus strand). Cytogenetic location: 4p12.
Variant type: single nucleotide variant.
Coding change: c.553G>T on transcript NM_000807.4 (MANE Select); coding-DNA position 553, G replaced by T.
Protein change: p.Gly185Cys; replaces glycine 185 with cysteine.
Molecular consequence: missense variant.
Genome position (GRCh38, 1-based): chr4:46,310,179, C>A on the plus strand (G>T on the coding strand, the complement: GABRA2 is on the minus strand). VCF-style: chr4-46310179-C-A. GRCh37 (hg19) VCF-style: chr4-46312196-C-A.
Other names: c.553G>T, p.Gly185Cys (NM_001114175.3, NM_001330690.2, NM_001377144.1 and 8 more transcripts); c.388G>T, p.Gly130Cys (NM_001286827.3, NM_001377152.1, NM_001377153.1 and 1 more transcripts); short protein forms G185C, G130C.
Identifiers: ClinVar variation 2699159 (VCV002699159.3), dbSNP rs2475679257, ClinGen allele CA356798921.

ClinVar aggregate classification (germline): Uncertain significance (1 of 4 stars; one submission).

Submission:

Labcorp Genetics (formerly Invitae), Labcorp
Classification: Uncertain significance. Last evaluated: 2023-11-27. Review status: criteria provided, single submitter. Criteria: Invitae Variant Classification Sherloc (09022015). Collection method: clinical testing. Allele origin: germline.
Comment: This sequence change replaces glycine, which is neutral and non-polar, with cysteine, which is neutral and slightly polar, at codon 185 of the GABRA2 protein (p.Gly185Cys). This variant is not present in population databases (gnomAD no frequency). This variant has not been reported in the literature in individuals affected with GABRA2-related conditions. An algorithm developed to predict the effect of missense changes on protein structure and function (PolyPhen-2) suggests that this variant is likely to be disruptive. In summary, the available evidence is currently insufficient to determine the role of this variant in disease. Therefore, it has been classified as a Variant of Uncertain Significance.